The following is an entry in ClinVar:

NM_006421.5(ARFGEF1):c.3636C>A (p.Asp1212Glu)

Gene: ARFGEF1 (ARF guanine nucleotide exchange factor 1; minus strand). Cytogenetic location: 8q13.2.
Variant type: single nucleotide variant.
Coding change: c.3636C>A on transcript NM_006421.5 (MANE Select); coding-DNA position 3636, C replaced by A.
Protein change: p.Asp1212Glu; replaces aspartic acid 1212 with glutamic acid.
Molecular consequence: missense variant. On other transcripts: non-coding transcript variant (1).
Genome position (GRCh38, 1-based): chr8:67,227,554, G>T on the plus strand (C>A on the coding strand, the complement: ARFGEF1 is on the minus strand). VCF-style: chr8-67227554-G-T. GRCh37 (hg19) VCF-style: chr8-68139789-G-T.
Other names: c.2211C>A, p.Asp737Glu (NM_001413196.1); c.3036C>A, p.Asp1012Glu (NM_001413197.1, NM_001413188.1, NM_001413193.1); c.3636C>A, p.Asp1212Glu (NM_001413186.1, NM_001413187.1, NM_001413189.1 and 6 more transcripts); c.3630C>A, p.Asp1210Glu (NM_001413190.1); short protein forms D1012E, D1210E, D1212E, D737E.
Identifiers: ClinVar variation 4527866 (VCV004527866.1).
Genomic context (GRCh38, chr8:67,227,554, plus strand): 5'-GAATCTGAAGTTAGCAAGCTCCCCTTTCTCTAAGAACTTCATTGACAACTGCCTCAAGGA[G>T]TCTACTGCAAAAATAGCTACATCTTCATTAGGATTACACCCAACCTGTAATGGCGACAGA-3'
Protein context (NP_006412.2, residues 1202-1222): PNEDVAIFAV[Asp1212Glu]SLRQLSMKFL

ClinVar aggregate classification (germline): Uncertain significance (1 of 4 stars; one submission).

Submission:

GeneDx
Classification: Uncertain significance. Last evaluated: 2025-05-06. Review status: criteria provided, single submitter. Criteria: GeneDx Variant Classification Process June 2021. Collection method: clinical testing. Allele origin: germline. Affected: yes.
Comment: Not observed at significant frequency in large population cohorts (gnomAD); In silico analysis supports that this missense variant has a deleterious effect on protein structure/function; Has not been previously published as pathogenic or benign to our knowledge